The following is an entry in ClinVar:

NM_001257180.2(SLC20A2):c.338C>G (p.Ser113Ter)

Gene: SLC20A2 (solute carrier family 20 member 2; minus strand). Cytogenetic location: 8p11.21.
Variant type: single nucleotide variant.
Coding change: c.338C>G on transcript NM_001257180.2 (MANE Select); coding-DNA position 338, C replaced by G.
Protein change: p.Ser113Ter; replaces serine 113 with a stop codon.
Molecular consequence: nonsense.
Genome position (GRCh38, 1-based): chr8:42,465,869, G>C on the plus strand (C>G on the coding strand, the complement: SLC20A2 is on the minus strand). VCF-style: chr8-42465869-G-C. GRCh37 (hg19) VCF-style: chr8-42323387-G-C.
Other names: c.338C>G, p.Ser113Ter (NM_001257181.2, NM_006749.5); c.338C>G (NM_001257180.1); short protein forms S113*.
Identifiers: ClinVar variation 280122 (VCV000280122.6), dbSNP rs886041397, ClinGen allele CA10603086.
Genomic context (GRCh38, chr8:42,465,869, plus strand): 5'-TTGGTACCGATTGCGACCAGTGAGAATCCTATAGTAGAACCCACAATGCAGTGCGTTCCT[G>C]AGATTGGAAGCCTCAGGAAGGAAGCAATCAGCTGCCACACAGCGGAACCTACAGATTGAA-3'

ClinVar aggregate classification (germline): Pathogenic. Review status: criteria provided, multiple submitters, no conflicts (2 of 4 stars). 3 submissions from 3 submitters: Pathogenic (3). Last evaluated 2025-11-18.

Conditions:
SLC20A2-related disorder. Also called: SLC20A2-related condition.

Allele frequency attached by ClinVar (database versions not stated): gnomAD exomes below 0.00001.
gnomAD v4.1: 2 of 1,613,840 alleles (0.00012%); highest among the groups gnomAD compares: Non-Finnish European, 0.00017%; no homozygotes.

Submissions (3):

PreventionGenetics, part of Exact Sciences
Classification: Pathogenic for SLC20A2-related condition. Last evaluated: 2025-11-18. Review status: criteria provided, single submitter. Criteria: ACMG Guidelines, 2015. Collection method: clinical testing. Allele origin: germline.
Comment: The SLC20A2 c.338C>G variant is predicted to result in premature protein termination (p.Ser113*). This variant has been reported to be causative for autosomal dominant basal ganglia calcification (Baker et al. 2014. PubMed ID: 24135862; Ramos et al. 2018. PubMed ID: 29955172). This variant has not been reported in a large population database, indicating this variant is rare. Nonsense variants in SLC20A2 are expected to be pathogenic. This variant is interpreted as pathogenic.

Labcorp Genetics (formerly Invitae), Labcorp
Classification: Pathogenic. Last evaluated: 2023-09-17. Review status: criteria provided, single submitter. Criteria: Invitae Variant Classification Sherloc (09022015). Collection method: clinical testing. Allele origin: germline.
Comment: For these reasons, this variant has been classified as Pathogenic. ClinVar contains an entry for this variant (Variation ID: 280122). This variant is also known as p.Ser113Ter. This premature translational stop signal has been observed in individual(s) with clinical features of primary basal ganglia calcification (PMID: 24135862). This variant is not present in population databases (gnomAD no frequency). This sequence change creates a premature translational stop signal (p.Ser113*) in the SLC20A2 gene. It is expected to result in an absent or disrupted protein product. Loss-of-function variants in SLC20A2 are known to be pathogenic (PMID: 23334463).

GeneDx
Classification: Pathogenic. Last evaluated: 2017-01-19. Review status: criteria provided, single submitter. Criteria: GeneDx Variant Classification (06012015). Collection method: clinical testing. Allele origin: germline. Affected: yes.
Comment: The S113X variant in the SLC20A2 gene has been reported previously in association with idiopathic basal ganglia calcification (Baker et al., 2014; Carecchio et al., 2014). This variant is predicted to cause loss of normal protein function either through protein truncation or nonsense-mediated mRNA decay. The S113X variant was not observed in approximately 6500 individuals of European and African American ancestry in the NHLBI Exome Sequencing Project, indicating it is not a common benign variant in these populations. We interpret S113X as a pathogenic variant.

Literature cited by the submitters: PubMed 24135862 (cited by Labcorp Genetics (formerly Invitae), Labcorp); PubMed 23334463 (cited by Labcorp Genetics (formerly Invitae), Labcorp).